The following is an entry in ClinVar:

ClinVar aggregate classification (germline): Conflicting classifications of pathogenicity. Review status: criteria provided, conflicting classifications (1 of 4 stars). 4 submissions from 4 submitters: Uncertain significance (1); Likely benign (3). Last evaluated 2026-05-01.

Conditions:
3MC syndrome 1. Also called: OCULOPALATOSKELETAL SYNDROME; MICHELS SYNDROME; CRANIOSYNOSTOSIS WITH LID ANOMALIES. Identifiers: Orphanet 293843, MedGen C0796059, MONDO:0009770, OMIM 257920.

Allele frequency attached by ClinVar (database versions not stated): ExAC 0.00026; gnomAD 0.00039 and 0.00042; TOPMed 0.00039; ESP Exome Variant Server 0.00046; 1000 Genomes Project 30x 0.00062; 1000 Genomes Project 0.00080; gnomAD exomes 0.00016 and 0.00023.
gnomAD v4.1: 326 of 1,614,150 alleles (0.02%); highest among the groups gnomAD compares: Middle Eastern, 0.71%; 1 homozygote.

Submissions (4):

CeGaT Center for Human Genetics Tuebingen
Classification: Likely benign. Last evaluated: 2026-05-01. Review status: criteria provided, single submitter. Criteria: CeGaT Center For Human Genetics Tuebingen Variant Classification Criteria Version 2. Collection method: clinical testing. Allele origin: germline. Affected: yes. Observed: 2 variant alleles.
Comment: MASP1: BP4

Labcorp Genetics (formerly Invitae), Labcorp
Classification: Likely benign for 3MC syndrome 1. Last evaluated: 2025-11-27. Review status: criteria provided, single submitter. Criteria: Invitae Variant Classification Sherloc (09022015). Collection method: clinical testing. Allele origin: germline.

Blueprint Genetics
Classification: Likely benign. Last evaluated: 2024-10-07. Review status: criteria provided, single submitter. Criteria: ACMG Guidelines, 2015. Collection method: clinical testing. Allele origin: germline.

Eurofins Ntd Llc (ga)
Classification: Uncertain significance. Last evaluated: 2017-12-22. Review status: criteria provided, single submitter. Criteria: EGL Classification Definitions 2015. Collection method: clinical testing. Allele origin: germline. Observed: 2 variant alleles, 2 heterozygotes.

NM_139125.4(MASP1):c.1143T>C (p.Ser381=)

Gene: MASP1 (MBL associated serine protease 1; minus strand). Cytogenetic location: 3q27.3.
Variant type: single nucleotide variant.
Coding change: c.1143T>C on transcript NM_139125.4 (MANE Select); coding-DNA position 1143, T replaced by C.
Protein change: p.Ser381=; no amino-acid change (serine 381 retained).
Molecular consequence: synonymous variant. On other transcripts: non-coding transcript variant (1).
Genome position (GRCh38, 1-based): chr3:187,243,569, A>G on the plus strand (T>C on the coding strand, the complement: MASP1 is on the minus strand). VCF-style: chr3-187243569-A-G. GRCh37 (hg19) VCF-style: chr3-186961357-A-G.
Other names: c.1143T>C, p.Ser381= (NM_001879.6).
Identifiers: ClinVar variation 499960 (VCV000499960.38), dbSNP rs141985299, ClinGen allele CA2749343.
Genomic context (GRCh38, chr3:187,243,569, plus strand): 5'-ATAGGGCTCCTGACAGGAGTATTTGATCTCAGACTTGTATGTGGTGAGGTTGTTCCTTGT[A>G]GAGAAGGTGATCAGCCCGTGTTCCAGCTCTCCTGGGGCTCTACAGTCTACAACTGAGAGA-3'
Protein context (NP_624302.1, residues 371-391): GELEHGLITF[Ser381=]TRNNLTTYKS